The following is an entry in ClinVar:

ClinVar aggregate classification (germline): Uncertain significance (1 of 4 stars; one submission).

Conditions:
Intellectual developmental disorder, X-linked, syndromic 14. Also called: Syndromic X-linked intellectual disability 14. Identifiers: Orphanet 776, MedGen C1970822, MONDO:0010398, OMIM 300676.

Allele frequency attached by ClinVar (database versions not stated): gnomAD exomes 0.00002; TOPMed 0.00002; gnomAD 0.00005.
gnomAD v4.1: 25 of 1,208,700 alleles (0.0021%); highest among the groups gnomAD compares: Admixed American, 0.0044%; no homozygotes.

Submission:

Labcorp Genetics (formerly Invitae), Labcorp
Classification: Uncertain significance for Intellectual developmental disorder, X-linked, syndromic 14. Last evaluated: 2025-06-22. Review status: criteria provided, single submitter. Criteria: Invitae Variant Classification Sherloc (09022015). Collection method: clinical testing. Allele origin: germline.
Comment: This sequence change replaces arginine, which is basic and polar, with glutamine, which is neutral and polar, at codon 368 of the UPF3B protein (p.Arg368Gln). This variant is not present in population databases (gnomAD no frequency). This missense change has been observed in individual(s) with clinical features of UPF3B-related conditions (PMID: 19238151). ClinVar contains an entry for this variant (Variation ID: 2149414). Invitae Evidence Modeling of protein sequence and biophysical properties (such as structural, functional, and spatial information, amino acid conservation, physicochemical variation, residue mobility, and thermodynamic stability) indicates that this missense variant is not expected to disrupt UPF3B protein function with a negative predictive value of 80%. Experimental studies have shown that this missense change affects UPF3B function (PMID: 26012578). In summary, the available evidence is currently insufficient to determine the role of this variant in disease. Therefore, it has been classified as a Variant of Uncertain Significance.

Literature cited by the submitters: PubMed 19238151; PubMed 26012578.

NM_080632.3(UPF3B):c.1103G>A (p.Arg368Gln)

Gene: UPF3B (UPF3B regulator of nonsense mediated mRNA decay; minus strand). Cytogenetic location: Xq24.
Variant type: single nucleotide variant.
Coding change: c.1103G>A on transcript NM_080632.3 (MANE Select); coding-DNA position 1103, G replaced by A.
Protein change: p.Arg368Gln; replaces arginine 368 with glutamine.
Molecular consequence: missense variant.
Genome position (GRCh38, 1-based): chrX:119,837,956, C>T on the plus strand (G>A on the coding strand, the complement: UPF3B is on the minus strand). VCF-style: chrX-119837956-C-T. GRCh37 (hg19) VCF-style: chrX-118971919-C-T.
Other names: c.1064G>A, p.Arg355Gln (NM_023010.4); short protein forms R355Q, R368Q.
Identifiers: ClinVar variation 2149414 (VCV002149414.4), dbSNP rs1282813621, ClinGen allele CA414183371.